The following is an entry in ClinVar:

ClinVar aggregate classification (germline): Benign/Likely benign. Review status: criteria provided, multiple submitters, no conflicts (2 of 4 stars). 5 submissions from 5 submitters: Benign (1); Likely benign (4). Last evaluated 2025-08-11.

Conditions:
Hereditary cancer-predisposing syndrome. Also called: Hereditary Cancer Syndrome; Neoplastic Syndromes, Hereditary; Tumor predisposition; Hereditary neoplastic syndrome. Identifiers: Orphanet 140162, MedGen C0027672, MeSH D009386, MONDO:0015356.
Familial cancer of breast. Also called: BREAST CANCER, FAMILIAL; Hereditary breast cancer; hereditary breast carcinoma. Identifiers: Orphanet 227535, MedGen C0346153, MONDO:0016419, OMIM 114480. Disease mechanism: loss of function.

Allele frequency attached by ClinVar (database versions not stated): gnomAD exomes below 0.00001; TOPMed 0.00002.
gnomAD v4.1: 4 of 1,593,252 alleles (0.00025%); highest among the groups gnomAD compares: African/African-American, 0.0014%; no homozygotes.

Submissions (5):

Labcorp Genetics (formerly Invitae), Labcorp
Classification: Likely benign for Familial cancer of breast. Last evaluated: 2025-08-11. Review status: criteria provided, single submitter. Criteria: Invitae Variant Classification Sherloc (09022015). Collection method: clinical testing. Allele origin: germline.

Myriad Genetics, Inc.
Classification: Benign for Familial cancer of breast. Last evaluated: 2024-07-23. Review status: criteria provided, single submitter. Criteria: Myriad Autosomal Dominant, Autosomal Recessive and X-Linked Classification Criteria (2023). Collection method: clinical testing. Allele origin: unknown.
Comment: This variant is considered benign. This variant is a silent/synonymous amino acid change and it is not expected to impact splicing.

Quest Diagnostics Nichols Institute San Juan Capistrano
Classification: Likely benign. Last evaluated: 2022-12-09. Review status: criteria provided, single submitter. Criteria: Quest Diagnostics criteria. Collection method: clinical testing. Allele origin: unknown.

Color Diagnostics, LLC DBA Color Health
Classification: Likely benign for Hereditary cancer-predisposing syndrome. Last evaluated: 2018-10-16. Review status: criteria provided, single submitter. Criteria: ACMG Guidelines, 2015. Collection method: clinical testing. Allele origin: germline.

Ambry Genetics
Classification: Likely benign for Hereditary cancer-predisposing syndrome. Last evaluated: 2016-07-06. Review status: criteria provided, single submitter. Criteria: Ambry Variant Classification Scheme 2023. Collection method: clinical testing. Allele origin: germline.

NM_000465.4(BARD1):c.789T>C (p.Ser263=)

Gene: BARD1 (BRCA1 associated RING domain 1; minus strand). Cytogenetic location: 2q35.
Variant type: single nucleotide variant.
Coding change: c.789T>C on transcript NM_000465.4 (MANE Select); coding-DNA position 789, T replaced by C.
Protein change: p.Ser263=; no amino-acid change (serine 263 retained).
Molecular consequence: synonymous variant. On other transcripts: intron variant (3), non-coding transcript variant (2).
Genome position (GRCh38, 1-based): chr2:214,781,085, A>G on the plus strand (T>C on the coding strand, the complement: BARD1 is on the minus strand). VCF-style: chr2-214781085-A-G. GRCh37 (hg19) VCF-style: chr2-215645809-A-G.
Other names: c.215+15976T>C (NM_001282545.2); c.364+11212T>C (NM_001282549.2); c.732T>C, p.Ser244= (NM_001282543.2); c.158+28327T>C (NM_001282548.2).
Identifiers: ClinVar variation 481387 (VCV000481387.17), dbSNP rs1345594874, ClinGen allele CA431390553.
Genomic context (GRCh38, chr2:214,781,085, plus strand): 5'-AGCCAATGGTAAAGAGACTTCAGTTAAACTTCCAAAACATTCAGATTCTGTCAAGGAGCC[A>G]CTTGCTAGTAAGTCTATTTCACCATTTATCTGAGGACTGGAGATAACAGATGGTTGGCTA-3'
Protein context (NP_000456.2, residues 253-273): QINGEIDLLA[Ser263=]GSLTESECFG